The following is an entry in ClinVar:

NM_001330288.2(SMARCC2):c.2204A>G (p.Lys735Arg)

Gene: SMARCC2 (SWI/SNF related BAF chromatin remodeling complex subunit C2; minus strand). Cytogenetic location: 12q13.2.
Variant type: single nucleotide variant.
Coding change: c.2204A>G on transcript NM_001330288.2 (MANE Select); coding-DNA position 2204, A replaced by G.
Protein change: p.Lys735Arg; replaces lysine 735 with arginine.
Molecular consequence: missense variant.
Genome position (GRCh38, 1-based): chr12:56,171,414, T>C on the plus strand (A>G on the coding strand, the complement: SMARCC2 is on the minus strand). VCF-style: chr12-56171414-T-C. GRCh37 (hg19) VCF-style: chr12-56565198-T-C.
Other names: c.2204A>G, p.Lys735Arg (NM_001130420.3, NM_139067.4); c.2111A>G, p.Lys704Arg (NM_003075.5); short protein forms K735R, K704R.
Identifiers: ClinVar variation 1029508 (VCV001029508.1), dbSNP rs1328302930, ClinGen allele CA385344091.

ClinVar aggregate classification (germline): Uncertain significance (1 of 4 stars; one submission).

Conditions:
Coffin-Siris syndrome 8. Identifiers: MedGen C5193054, MONDO:0032702, OMIM 618362.

Allele frequency attached by ClinVar (database versions not stated): gnomAD 0.00001; gnomAD exomes 0.00001; TOPMed 0.00002.
gnomAD v4.1: 22 of 1,614,104 alleles (0.0014%); highest among the groups gnomAD compares: Non-Finnish European, 0.0019%; no homozygotes.

Submission:

Baylor Genetics
Classification: Uncertain significance for Coffin-Siris syndrome 8. Last evaluated: 2019-12-30. Review status: criteria provided, single submitter. Criteria: ACMG Guidelines, 2015. Collection method: clinical testing. Allele origin: unknown. Affected: yes.
Comment: This variant was determined to be of uncertain significance according to ACMG Guidelines, 2015 [PMID:25741868].